The following is an entry in ClinVar:

ClinVar aggregate classification (germline): Likely benign. Review status: criteria provided, multiple submitters, no conflicts (2 of 4 stars). 3 submissions from 3 submitters: Likely benign (2). 1 of the submissions does not count toward it. Last evaluated 2025-08-12.

Conditions:
MEIS2-related disorder.
Cardiac malformation, cleft lip/palate, microcephaly, and digital anomalies. Also called: CLEFT PALATE, CARDIAC DEFECTS, AND IMPAIRED INTELLECTUAL DEVELOPMENT. Identifiers: MedGen C1832950, MONDO:0010970, OMIM 600987.

Allele frequency attached by ClinVar (database versions not stated): ESP Exome Variant Server 0.00015; 1000 Genomes Project 30x 0.00016; TOPMed 0.00019; 1000 Genomes Project 0.00020; gnomAD 0.00021 and 0.00025; ExAC 0.00024; gnomAD exomes 0.00027 and 0.00040.
gnomAD v4.1: 618 of 1,613,150 alleles (0.038%); highest among the groups gnomAD compares: South Asian, 0.067%; no homozygotes.

Submissions (3):

Labcorp Genetics (formerly Invitae), Labcorp
Classification: Likely benign for Cardiac malformation, cleft lip/palate, microcephaly, and digital anomalies. Last evaluated: 2025-08-12. Review status: criteria provided, single submitter. Criteria: Invitae Variant Classification Sherloc (09022015). Collection method: clinical testing. Allele origin: germline.

CeGaT Center for Human Genetics Tuebingen
Classification: Likely benign. Last evaluated: 2022-08-01. Review status: criteria provided, single submitter. Criteria: CeGaT Center For Human Genetics Tuebingen Variant Classification Criteria Version 2. Collection method: clinical testing. Allele origin: germline. Affected: yes. Observed: 1 variant allele.
Comment: MEIS2: BP4, BP7

PreventionGenetics, part of Exact Sciences
Classification: Likely benign for MEIS2-related condition. Last evaluated: 2019-03-29. Review status: no assertion criteria provided. Collection method: clinical testing. Allele origin: germline. Not counted in ClinVar's aggregate classification.
Comment: This variant is classified as likely benign based on ACMG/AMP sequence variant interpretation guidelines (Richards et al. 2015 PMID: 25741868, with internal and published modifications).

NM_170675.5(MEIS2):c.471T>C (p.His157=)

Gene: MEIS2 (Meis homeobox 2; minus strand). Cytogenetic location: 15q14.
Variant type: single nucleotide variant.
Coding change: c.471T>C on transcript NM_170675.5 (MANE Select); coding-DNA position 471, T replaced by C.
Protein change: p.His157=; no amino-acid change (histidine 157 retained).
Molecular consequence: synonymous variant. On other transcripts: non-coding transcript variant (1).
Genome position (GRCh38, 1-based): chr15:37,094,545, A>G on the plus strand (T>C on the coding strand, the complement: MEIS2 is on the minus strand). VCF-style: chr15-37094545-A-G. GRCh37 (hg19) VCF-style: chr15-37386746-A-G.
Other names: c.471T>C, p.His157= (NM_001220482.2, NM_170674.5, NM_170676.5 and 1 more transcripts); c.432T>C, p.His144= (NM_002399.4, NM_172315.3); c.207T>C, p.His69= (NM_172316.3).
Identifiers: ClinVar variation 532738 (VCV000532738.34), dbSNP rs137952617, ClinGen allele CA7469383.